The following is an entry in ClinVar:

NM_024665.7(TBL1XR1):c.679G>A (p.Asp227Asn)

Gene: TBL1XR1 (TBL1X/Y related 1; minus strand). Cytogenetic location: 3q26.32.
Variant type: single nucleotide variant.
Coding change: c.679G>A on transcript NM_024665.7 (MANE Select); coding-DNA position 679, G replaced by A.
Protein change: p.Asp227Asn; replaces aspartic acid 227 with asparagine.
Molecular consequence: missense variant.
Genome position (GRCh38, 1-based): chr3:177,050,020, C>T on the plus strand (G>A on the coding strand, the complement: TBL1XR1 is on the minus strand). VCF-style: chr3-177050020-C-T. GRCh37 (hg19) VCF-style: chr3-176767808-C-T.
Other names: p.Asp227Asn; c.418G>A, p.Asp140Asn (NM_001321195.3, NM_001374330.1); c.679G>A, p.Asp227Asn (NM_001321193.3, NM_001321194.3, NM_001374327.1 and 2 more transcripts); short protein forms D140N, D227N.
Identifiers: ClinVar variation 1300134 (VCV001300134.3), dbSNP rs2108490656, ClinGen allele CA355552429.
Genomic context (GRCh38, chr3:177,050,020, plus strand): 5'-TAGTAATTATATCCATCATGGATATAGTGATACTCACATTCCAATCTAGAGATGTGACAT[C>T]CTTGTTGCTTGGAACATCTTGCCCTCCTTCTCGTATACAATGTCTAAGTACTAACTGTGT-3'
Protein context (NP_078941.2, residues 217-237): EGGQDVPSNK[Asp227Asn]VTSLDWNSEG

ClinVar aggregate classification (germline): Likely pathogenic (1 of 4 stars; one submission).

Conditions:
Intellectual developmental disorder, autosomal dominant 41. Also called: Intellectual disability, autosomal dominant 41. Identifiers: Orphanet 2823, MedGen C4310784, MONDO:0014842, OMIM 616944.
Pierpont syndrome (PRPTS). Identifiers: Orphanet 487825, MedGen C1865644, MONDO:0011213, OMIM 602342.

Submission:

Foundation for Research in Genetics and Endocrinology, FRIGE's Institute of Human Genetics
Classification: Likely pathogenic for Intellectual developmental disorder, autosomal dominant 41; Pierpont syndrome. Last evaluated: 2020-10-28. Review status: criteria provided, single submitter. Criteria: ACMG Guidelines, 2015. Collection method: research. Allele origin: de novo. Inheritance: Autosomal dominant inheritance. Affected: yes. Observed: 1 heterozygote.
Comment: A heterozygous missense variation in exon 7 of the TBL1XR1 gene that results in the amino acid substitution of Asparagine for Aspartic acid at codon 227 was detected. The observed variant c.679G>A (p.Asp227Asn) has not been reported in the 1000 genomes and gnomAD databases. The in silico prediction of the variant are probably damaging by PolyPhen-2 (HumDiv), and damaging by SIFT, LRT and MutationTaster2. The reference codon is conserved across species. Segregation analysis showed the variant to be de novo in origin. In summary, the variant meets our criteria to be classified as a likely pathogenic variant.